The following is an entry in ClinVar:

NM_182914.3(SYNE2):c.15189A>C (p.Lys5063Asn)

Gene: SYNE2 (spectrin repeat containing nuclear envelope protein 2; plus strand). Cytogenetic location: 14q23.2.
Variant type: single nucleotide variant.
Coding change: c.15189A>C on transcript NM_182914.3 (MANE Select); coding-DNA position 15189, A replaced by C.
Protein change: p.Lys5063Asn; replaces lysine 5063 with asparagine.
Molecular consequence: missense variant.
Genome position (GRCh38, 1-based): chr14:64,141,971, A>C. VCF-style: chr14-64141971-A-C. GRCh37 (hg19) VCF-style: chr14-64608689-A-C.
Other names: c.15189A>C, p.Lys5063Asn (NM_015180.6); short protein forms K5063N.
Identifiers: ClinVar variation 839093 (VCV000839093.10), dbSNP rs2098142550, ClinGen allele CA389941280.

ClinVar aggregate classification (germline): Uncertain significance. Review status: criteria provided, multiple submitters, no conflicts (2 of 4 stars). 2 submissions from 2 submitters: Uncertain significance (2). Last evaluated 2025-04-08.

Conditions:
Emery-Dreifuss muscular dystrophy 5, autosomal dominant (EDMD5). Also called: EMERY-DREIFUSS MUSCULAR DYSTROPHY 5. Identifiers: Orphanet 261, MedGen C2751805, MONDO:0013072, OMIM 612999.

Allele frequency attached by ClinVar (database versions not stated): gnomAD exomes below 0.00001; TOPMed below 0.00001.
gnomAD v4.1: 1 of 1,614,156 alleles (0.000062%); highest among the groups gnomAD compares: Admixed American, 0.0017%; no homozygotes.

Submissions (2):

Ambry Genetics
Classification: Uncertain significance. Last evaluated: 2025-04-08. Review status: criteria provided, single submitter. Criteria: Ambry Variant Classification Scheme 2023. Collection method: clinical testing. Allele origin: germline.

Labcorp Genetics (formerly Invitae), Labcorp
Classification: Uncertain significance for Emery-Dreifuss muscular dystrophy 5, autosomal dominant. Last evaluated: 2019-11-19. Review status: criteria provided, single submitter. Criteria: Invitae Variant Classification Sherloc (09022015). Collection method: clinical testing. Allele origin: germline.
Comment: This sequence change replaces lysine with asparagine at codon 5063 of the SYNE2 protein (p.Lys5063Asn). The lysine residue is weakly conserved and there is a moderate physicochemical difference between lysine and asparagine. This variant is not present in population databases (ExAC no frequency). This variant has not been reported in the literature in individuals with SYNE2-related conditions. Algorithms developed to predict the effect of missense changes on protein structure and function output the following: SIFT: "Tolerated"; PolyPhen-2: "Benign"; Align-GVGD: "Class C0". The asparagine amino acid residue is found in multiple mammalian species, suggesting that this missense change does not adversely affect protein function. These predictions have not been confirmed by published functional studies and their clinical significance is uncertain. In summary, the available evidence is currently insufficient to determine the role of this variant in disease. Therefore, it has been classified as a Variant of Uncertain Significance.